The following is an entry in ClinVar:

NM_016306.6(DNAJB11):c.266dup (p.Tyr89Ter)

Gene: DNAJB11 (DnaJ heat shock protein family (Hsp40) member B11; plus strand). Cytogenetic location: 3q27.3.
Variant type: Duplication.
Coding change: c.266dup on transcript NM_016306.6 (MANE Select); coding-DNA position 266, one base duplicated (A; older notation c.266dupA).
Protein change: p.Tyr89Ter; replaces tyrosine 89 with a stop codon.
Molecular consequence: nonsense. On other transcripts: non-coding transcript variant (6).
Genome position (GRCh38, 1-based): chr3:186,575,880, A duplicated. VCF-style (leftmost placement, unchanged base first): chr3-186575879-T-TA. GRCh37 (hg19) VCF-style: chr3-186293668-T-TA.
Other names: c.266dup, p.Tyr89Ter (NM_001378451.1); short protein forms Y89*.
Identifiers: ClinVar variation 3233356 (VCV003233356.1), dbSNP rs2474564821, ClinGen allele CA2825001258.

ClinVar aggregate classification (germline): Likely pathogenic (0 of 4 stars; one submission).

Conditions:
Autosomal dominant polycystic kidney disease. Identifiers: Orphanet 730, MedGen C0085413, MONDO:0004691.

Submission:

Department of Traditional Chinese Medicine, Fujian Provincial Hospital
Classification: Likely pathogenic for Autosomal dominant polycystic kidney disease. Review status: no assertion criteria provided. Collection method: research. Allele origin: unknown.

Literature cited by the submitters: DOI 10.3390/genes15010003.